The following is an entry in ClinVar:

NM_001042492.3(NF1):c.3748C>T (p.Arg1250Trp)

Gene: NF1 (neurofibromin 1; plus strand). Cytogenetic location: 17q11.2.
Variant type: single nucleotide variant.
Coding change: c.3748C>T on transcript NM_001042492.3 (MANE Select); coding-DNA position 3748, C replaced by T.
Protein change: p.Arg1250Trp; replaces arginine 1250 with tryptophan.
Molecular consequence: missense variant.
Genome position (GRCh38, 1-based): chr17:31,235,650, C>T. VCF-style: chr17-31235650-C-T. GRCh37 (hg19) VCF-style: chr17-29562668-C-T.
Other names: c.3748C>T, p.Arg1250Trp (NM_000267.4); short protein forms R1250W.
Identifiers: ClinVar variation 457665 (VCV000457665.15), dbSNP rs1452005208, ClinGen allele CA398992448.
Genomic context (GRCh38, chr17:31,235,650, plus strand): 5'-CTGATTTTGTTTTGTTCTCAGGATGAACTAGCTCGAGTTCTGGTTACTCTGTTTGATTCT[C>T]GGCATTTACTCTACCAACTGCTCTGGAACATGTTTTCTAAAGAAGTAGAATTGGCAGACT-3'
Protein context (NP_001035957.1, residues 1240-1260): ARVLVTLFDS[Arg1250Trp]HLLYQLLWNM

ClinVar aggregate classification (germline): Conflicting classifications of pathogenicity. Review status: criteria provided, conflicting classifications (1 of 4 stars). 5 submissions from 5 submitters: Uncertain significance (4); Likely benign (1). Last evaluated 2025-12-01.

Conditions:
Cardiovascular phenotype. Identifiers: MedGen CN230736.
Hereditary cancer-predisposing syndrome. Also called: Hereditary Cancer Syndrome; Hereditary neoplastic syndrome; Tumor predisposition; Neoplastic Syndromes, Hereditary. Identifiers: Orphanet 140162, MedGen C0027672, MeSH D009386, MONDO:0015356.
Neurofibromatosis, type 1 (NF1). Also called: VON RECKLINGHAUSEN DISEASE; NEUROFIBROMATOSIS, TYPE I, SOMATIC; Peripheral type neurofibromatosis; Neurofibromatosis, type I. Identifiers: Orphanet 636, MedGen C0027831, MONDO:0018975, OMIM 162200. Disease mechanism: loss of function.
Juvenile myelomonocytic leukemia (JMML). Also called: LEUKEMIA, JUVENILE MYELOMONOCYTIC, SOMATIC. Identifiers: Orphanet 86834, MedGen C0349639, MONDO:0011908, OMIM 607785, HP:0012209.

Allele frequency attached by ClinVar (database versions not stated): gnomAD exomes below 0.00001; gnomAD 0.00001.
gnomAD v4.1: 6 of 1,613,968 alleles (0.00037%); highest among the groups gnomAD compares: Non-Finnish European, 0.00051%; no homozygotes.

Submissions (5):

Labcorp Genetics (formerly Invitae), Labcorp
Classification: Likely benign for Neurofibromatosis, type 1. Last evaluated: 2025-12-01. Review status: criteria provided, single submitter. Criteria: Invitae Variant Classification Sherloc (09022015). Collection method: clinical testing. Allele origin: germline.

Baylor Genetics
Classification: Uncertain significance for Juvenile myelomonocytic leukemia. Last evaluated: 2024-03-05. Review status: criteria provided, single submitter. Criteria: ACMG Guidelines, 2015. Collection method: clinical testing. Allele origin: unknown.

Genome-Nilou Lab
Classification: Uncertain significance for Neurofibromatosis, type 1. Last evaluated: 2022-03-15. Review status: criteria provided, single submitter. Criteria: ACMG Guidelines, 2015. Collection method: clinical testing. Allele origin: germline. Affected: no.

GeneDx
Classification: Uncertain significance. Last evaluated: 2022-02-03. Review status: criteria provided, single submitter. Criteria: GeneDx Variant Classification Process June 2021. Collection method: clinical testing. Allele origin: germline. Affected: yes.
Comment: In silico analysis supports that this missense variant has a deleterious effect on protein structure/function; Has not been previously published as pathogenic or benign to our knowledge; This variant is associated with the following publications: (PMID: 22807134, 25486365)

Ambry Genetics
Classification: Uncertain significance for Cardiovascular phenotype; Hereditary cancer-predisposing syndrome. Last evaluated: 2016-10-17. Review status: criteria provided, single submitter. Criteria: Ambry Variant Classification Scheme 2023. Collection method: clinical testing. Allele origin: germline.